The following is an entry in ClinVar:

ClinVar aggregate classification (germline): Pathogenic. Review status: criteria provided, multiple submitters, no conflicts (2 of 4 stars). 4 submissions from 4 submitters: Pathogenic (3). 1 of the submissions does not count toward it. Last evaluated 2025-09-21.

Conditions:
Tay-Sachs disease, variant AB. Also called: GM2 Activator Deficiency; Gm2-gangliosidosis, ab variant. Identifiers: Orphanet 309246, MedGen C0268275, MONDO:0010099, OMIM 272750.
Tay-Sachs disease (TSD). Also called: Hexosaminidase A Deficiency; GM2 gangliosidosis, type 1; Hexosaminidase alpha-subunit deficiency (variant B); Sphingolipidosis, Tay-Sachs; HEXA DEFICIENCY; HEXA Disorders. Identifiers: Orphanet 845, MedGen C0039373, MONDO:0010100, OMIM 272800.

Allele frequency attached by ClinVar (database versions not stated): TOPMed 0.00001.

Submissions (4):

Dasa
Classification: Pathogenic. Last evaluated: 2025-09-21. Review status: criteria provided, single submitter. Criteria: DASA Assertion Criteria. Collection method: clinical testing. Allele origin: germline.
Comment: NM_000405.5(GM2A):c.333del (p.Cys112Valfs*7) introduces a premature termination codon predicted to result in loss of normal protein function. Loss-of-function is an established mechanism of disease for this gene. This variant has been reported in individuals with related phenotype (PMID: 24767253). Based on the available data, this variant is classified as pathogenic.

Labcorp Genetics (formerly Invitae), Labcorp
Classification: Pathogenic for Tay-Sachs disease, variant AB. Last evaluated: 2024-02-23. Review status: criteria provided, single submitter. Criteria: Invitae Variant Classification Sherloc (09022015). Collection method: clinical testing. Allele origin: germline.
Comment: This sequence change creates a premature translational stop signal (p.Cys112Valfs*7) in the GM2A gene. It is expected to result in an absent or disrupted protein product. Loss-of-function variants in GM2A are known to be pathogenic (PMID: 8900233, 10364519, 24767253). This variant is not present in population databases (gnomAD no frequency). This premature translational stop signal has been observed in individual(s) with GM2-gangliosidosis (PMID: 24767253). ClinVar contains an entry for this variant (Variation ID: 100728). For these reasons, this variant has been classified as Pathogenic.

Mendelics
Classification: Pathogenic for Tay-Sachs disease, variant AB. Last evaluated: 2022-05-04. Review status: criteria provided, single submitter. Criteria: Mendelics Assertion Criteria 2019. Collection method: clinical testing. Allele origin: germline.

Unidad de Diagnostico y Tratamiento de Errores Congenitos del Metabolismo. Hospital Clínico Universitário de Santiago de Compostela
Classification: Pathogenic for Tay-Sachs disease. Review status: no assertion criteria provided. Collection method: research. Allele origin: inherited. Affected: yes. Not counted in ClinVar's aggregate classification.

Literature cited by the submitters: PubMed 24767253 (cited by Dasa and Labcorp Genetics (formerly Invitae), Labcorp); PubMed 8900233 (cited by Labcorp Genetics (formerly Invitae), Labcorp); PubMed 10364519 (cited by Labcorp Genetics (formerly Invitae), Labcorp).

NM_000405.5(GM2A):c.333del (p.Cys112fs)

Gene: GM2A (ganglioside GM2 activator; plus strand). Cytogenetic location: 5q33.1.
Variant type: Deletion.
Coding change: c.333del on transcript NM_000405.5 (MANE Select); coding-DNA position 333, one base deleted (C; older notation c.333delC).
Protein change: p.Cys112fs; shifts the reading frame from cysteine 112.
Molecular consequence: frameshift variant.
Genome position (GRCh38, 1-based): chr5:151,266,820, C deleted. VCF-style (leftmost placement, unchanged base first): chr5-151266819-TC-T. GRCh37 (hg19) VCF-style: chr5-150646380-TC-T.
Other names: c.333del, p.Cys112fs (NM_001167607.3); short protein forms C112fs.
Identifiers: ClinVar variation 100728 (VCV000100728.5), dbSNP rs587779405, ClinGen allele CA267586.
Genomic context (GRCh38, chr5:151,266,819, plus strand): 5'-CTGGCCTCTGGATCAAGATCCCATGCACAGACTACATTGGCAGCTGTACCTTTGAACACT[TC>T]TGTGATGTGCTTGACATGTTAATTCCTACTGGGGAGCCCTGCCCAGAGCCCCTGCGTACC-3'